The following is an entry in ClinVar:

ClinVar aggregate classification (germline): Likely pathogenic. Review status: criteria provided, single submitter (1 of 4 stars). 2 submissions from 2 submitters: Likely pathogenic (1). 1 of the submissions does not count toward it. Last evaluated 2024-10-16.

Conditions:
Nemaline myopathy 6 (NEM6). Also called: Nemaline myopathy 6, autosomal dominant. Identifiers: Orphanet 171439, MedGen C1836472, MONDO:0012237, OMIM 609273.

Submissions (2):

Labcorp Genetics (formerly Invitae), Labcorp
Classification: Likely pathogenic for Nemaline myopathy 6. Last evaluated: 2024-10-16. Review status: criteria provided, single submitter. Criteria: Invitae Variant Classification Sherloc (09022015). Collection method: clinical testing. Allele origin: germline.
Comment: This sequence change replaces lysine, which is basic and polar, with asparagine, which is neutral and polar, at codon 390 of the KBTBD13 protein (p.Lys390Asn). This variant is not present in population databases (gnomAD no frequency). This missense change has been observed in individuals with 21109227, 33742414, 31127727 and/or nemaline myopathy (PMID: 21109227; nemaline myopathy). It has also been observed to segregate with disease in related individuals. ClinVar contains an entry for this variant (Variation ID: 31061). An algorithm developed to predict the effect of missense changes on protein structure and function (PolyPhen-2) suggests that this variant is likely to be disruptive. In summary, the currently available evidence indicates that the variant is pathogenic, but additional data are needed to prove that conclusively. Therefore, this variant has been classified as Likely Pathogenic.

OMIM
Classification: Pathogenic for NEMALINE MYOPATHY 6. Last evaluated: 2010-12-10. Review status: no assertion criteria provided. Collection method: literature only. Allele origin: germline. Not counted in ClinVar's aggregate classification.

Literature cited by the submitters: PubMed 21109227 (cited by Labcorp Genetics (formerly Invitae), Labcorp and OMIM); PubMed 21104864 (cited by OMIM).

NM_001101362.3(KBTBD13):c.1170G>C (p.Lys390Asn)

Gene: KBTBD13 (kelch repeat and BTB domain containing 13; plus strand). Cytogenetic location: 15q22.31.
Variant type: single nucleotide variant.
Coding change: c.1170G>C on transcript NM_001101362.3 (MANE Select); coding-DNA position 1170, G replaced by C.
Protein change: p.Lys390Asn; replaces lysine 390 with asparagine.
Molecular consequence: missense variant.
Genome position (GRCh38, 1-based): chr15:65,077,985, G>C. VCF-style: chr15-65077985-G-C. GRCh37 (hg19) VCF-style: chr15-65370323-G-C.
Other names: short protein forms K390N.
Identifiers: ClinVar variation 31061 (VCV000031061.5), dbSNP rs1364598710, ClinGen allele CA392865665.